The following is an entry in ClinVar:

ClinVar aggregate classification (germline): Pathogenic (1 of 4 stars; one submission).

Submission:

GeneDx
Classification: Pathogenic. Last evaluated: 2015-04-08. Review status: criteria provided, single submitter. Criteria: GeneDx Variant Classification (06012015). Collection method: clinical testing. Allele origin: germline. Affected: yes.
Comment: The c.7861-2delA variant destroys the canonical splice acceptor site in intron 45. It is predicted to cause abnormal gene splicing, either leading to an abnormal message that is subject to nonsense-mediated mRNA decay, or to an abnormal protein product if the message is used for protein translation.

NM_133433.4(NIPBL):c.7861-2del

Gene: NIPBL (NIPBL cohesin loading factor; plus strand). Cytogenetic location: 5p13.2.
Variant type: Deletion.
Coding change: c.7861-2del on transcript NM_133433.4 (MANE Select); the canonical splice acceptor site of the intron before coding-DNA position 7861, one base deleted (A; older notation c.7861-2delA).
Molecular consequence: splice acceptor variant.
Genome position (GRCh38, 1-based): chr5:37,063,788, A deleted. VCF-style (leftmost placement, unchanged base first): chr5-37063787-TA-T. GRCh37 (hg19) VCF-style: chr5-37063889-TA-T.
Other names: c.7861-2del (NM_015384.5).
Identifiers: ClinVar variation 265312 (VCV000265312.2), dbSNP rs886039468, ClinGen allele CA10588403.